The following is an entry in ClinVar:

NM_014845.6(FIG4):c.446+4T>A

Gene: FIG4 (FIG4 phosphoinositide 5-phosphatase; plus strand). Cytogenetic location: 6q21.
Variant type: single nucleotide variant.
Coding change: c.446+4T>A on transcript NM_014845.6 (MANE Select); 4 bases into the intron after coding-DNA position 446, T replaced by A.
Molecular consequence: intron variant.
Genome position (GRCh38, 1-based): chr6:109,727,269, T>A. VCF-style: chr6-109727269-T-A. GRCh37 (hg19) VCF-style: chr6-110048472-T-A.
Identifiers: ClinVar variation 1000729 (VCV001000729.4), dbSNP rs956953729, ClinGen allele CA145127567.

ClinVar aggregate classification (germline): Uncertain significance (1 of 4 stars; one submission).

Conditions:
Charcot-Marie-Tooth disease type 4. Also called: Charcot-Marie-Tooth, Type 4; Charcot-Marie-Tooth disease, type IV. Identifiers: Orphanet 64749, MedGen C4082197, MONDO:0018995.

Allele frequency attached by ClinVar (database versions not stated): gnomAD 0.00004; TOPMed 0.00004.
gnomAD v4.1: 5 of 1,596,210 alleles (0.00031%); highest among the groups gnomAD compares: African/African-American, 0.0073%; no homozygotes.

Submission:

Labcorp Genetics (formerly Invitae), Labcorp
Classification: Uncertain significance for Charcot-Marie-Tooth disease type 4. Last evaluated: 2021-09-09. Review status: criteria provided, single submitter. Criteria: Invitae Variant Classification Sherloc (09022015). Collection method: clinical testing. Allele origin: germline.
Comment: This sequence change falls in intron 4 of the FIG4 gene. It does not directly change the encoded amino acid sequence of the FIG4 protein, but it affects a nucleotide within the consensus splice site of the intron. This variant is not present in population databases (ExAC no frequency). This variant has not been reported in the literature in individuals with FIG4-related conditions. Nucleotide substitutions within the consensus splice site are a relatively common cause of aberrant splicing (PMID: 17576681, 9536098). Algorithms developed to predict the effect of sequence changes on RNA splicing suggest that this variant is not likely to affect RNA splicing, but this prediction has not been confirmed by published transcriptional studies. In summary, the available evidence is currently insufficient to determine the role of this variant in disease. Therefore, it has been classified as a Variant of Uncertain Significance.

Literature cited by the submitters: PubMed 17576681; PubMed 9536098.